The following is an entry in ClinVar:

ClinVar aggregate classification (germline): Uncertain significance (1 of 4 stars; one submission).

Submission:

Labcorp Genetics (formerly Invitae), Labcorp
Classification: Uncertain significance. Last evaluated: 2021-07-28. Review status: criteria provided, single submitter. Criteria: Invitae Variant Classification Sherloc (09022015). Collection method: clinical testing. Allele origin: germline.
Comment: In summary, the available evidence is currently insufficient to determine the role of this variant in disease. Therefore, it has been classified as a Variant of Uncertain Significance. Algorithms developed to predict the effect of missense changes on protein structure and function output the following: SIFT: "Tolerated"; PolyPhen-2: "Possibly Damaging"; Align-GVGD: "Class C0". The arginine amino acid residue is found in multiple mammalian species, which suggests that this missense change does not adversely affect protein function. This variant has not been reported in the literature in individuals affected with MSH3-related conditions. This variant is not present in population databases (ExAC no frequency). This sequence change replaces lysine with arginine at codon 632 of the MSH3 protein (p.Lys632Arg). The lysine residue is moderately conserved and there is a small physicochemical difference between lysine and arginine.

NM_002439.5(MSH3):c.1895A>G (p.Lys632Arg)

Gene: MSH3 (mutS homolog 3; plus strand). Cytogenetic location: 5q14.1.
Variant type: single nucleotide variant.
Coding change: c.1895A>G on transcript NM_002439.5 (MANE Select); coding-DNA position 1895, A replaced by G.
Protein change: p.Lys632Arg; replaces lysine 632 with arginine.
Molecular consequence: missense variant.
Genome position (GRCh38, 1-based): chr5:80,761,677, A>G. VCF-style: chr5-80761677-A-G. GRCh37 (hg19) VCF-style: chr5-80057496-A-G.
Other names: short protein forms K632R.
Identifiers: ClinVar variation 1370558 (VCV001370558.6), dbSNP rs2112880082, ClinGen allele CA360276747.